The following is an entry in ClinVar:

NM_001367721.1(CASK):c.361T>C (p.Tyr121His)

Gene: CASK (calcium/calmodulin dependent serine protein kinase; minus strand). Cytogenetic location: Xp11.4.
Variant type: single nucleotide variant.
Coding change: c.361T>C on transcript NM_001367721.1 (MANE Select); coding-DNA position 361, T replaced by C.
Protein change: p.Tyr121His; replaces tyrosine 121 with histidine.
Molecular consequence: missense variant.
Genome position (GRCh38, 1-based): chrX:41,739,452, A>G on the plus strand (T>C on the coding strand, the complement: CASK is on the minus strand). VCF-style: chrX-41739452-A-G. GRCh37 (hg19) VCF-style: chrX-41598705-A-G.
Other names: c.361T>C, p.Tyr121His (NM_001126054.3, NM_001126055.3, NM_001410745.1 and 1 more transcripts); short protein forms Y121H.
Identifiers: ClinVar variation 3383641 (VCV003383641.1).
Genomic context (GRCh38, chrX:41,739,452, plus strand): 5'-CCCTGTGAATTATGTTATTATCATGGCAGTAGCGTAGAGCTTCCAGTATCTGTCTCATAT[A>G]ATGGCTGTAAAAAACAAAAGAAATCTAAAAACTGTAAACAATTTTTATTTTAAAACTTAA-3'
Protein context (NP_001354650.1, residues 111-131): FVYSEAVASH[Tyr121His]MRQILEALRY

ClinVar aggregate classification (germline): Uncertain significance (1 of 4 stars; one submission).

Submission:

GeneDx
Classification: Uncertain significance. Last evaluated: 2024-05-24. Review status: criteria provided, single submitter. Criteria: GeneDx Variant Classification Process June 2021. Collection method: clinical testing. Allele origin: germline. Affected: yes.
Comment: Not observed at significant frequency in large population cohorts (gnomAD); In silico analysis supports that this missense variant has a deleterious effect on protein structure/function; Has not been previously published as pathogenic or benign to our knowledge